The following is an entry in ClinVar:

ClinVar aggregate classification (germline): Uncertain significance (1 of 4 stars; one submission).

Submission:

GeneDx
Classification: Uncertain significance. Last evaluated: 2025-08-08. Review status: criteria provided, single submitter. Criteria: GeneDx Variant Classification Process June 2021. Collection method: clinical testing. Allele origin: germline. Affected: yes.
Comment: Not observed at significant frequency in large population cohorts (gnomAD); In silico analysis, which includes protein predictors and evolutionary conservation, supports a deleterious effect; Has not been previously published as pathogenic or benign to our knowledge

NM_001123385.2(BCOR):c.3958A>G (p.Lys1320Glu)

Gene: BCOR (BCL6 corepressor; minus strand). Cytogenetic location: Xp11.4.
Variant type: single nucleotide variant.
Coding change: c.3958A>G on transcript NM_001123385.2 (MANE Select); coding-DNA position 3958, A replaced by G.
Protein change: p.Lys1320Glu; replaces lysine 1320 with glutamic acid.
Molecular consequence: missense variant.
Genome position (GRCh38, 1-based): chrX:40,062,961, T>C on the plus strand (A>G on the coding strand, the complement: BCOR is on the minus strand). VCF-style: chrX-40062961-T-C. GRCh37 (hg19) VCF-style: chrX-39922214-T-C.
Other names: c.3856A>G, p.Lys1286Glu (NM_001123383.2, NM_017745.6); c.3802A>G, p.Lys1268Glu (NM_001123384.2); short protein forms K1268E, K1286E, K1320E.
Identifiers: ClinVar variation 1306951 (VCV001306951.3), dbSNP rs2147034066, ClinGen allele CA412737057.
Genomic context (GRCh38, chrX:40,062,961, plus strand): 5'-CCTCTTCTTCGTCTGCACACAGCACATCTGTCTTCTGGTTTTCTTTAATTTTCTGCTGTT[T>C]GGCAGGCGGCCTGGAGGCTGGTGCGCAGCTTGGCTGAGCCTGCTTTTTGCCGCCTGCACT-3'
Protein context (NP_001116857.1, residues 1310-1330): SCAPASRPPA[Lys1320Glu]QQKIKENQKT